The following is an entry in ClinVar:

NM_005732.4(RAD50):c.1456C>T (p.Arg486Cys)

Gene: RAD50 (RAD50 double strand break repair protein; plus strand). Cytogenetic location: 5q31.1.
Variant type: single nucleotide variant.
Coding change: c.1456C>T on transcript NM_005732.4 (MANE Select); coding-DNA position 1456, C replaced by T.
Protein change: p.Arg486Cys; replaces arginine 486 with cysteine.
Molecular consequence: missense variant.
Genome position (GRCh38, 1-based): chr5:132,591,227, C>T. VCF-style: chr5-132591227-C-T. GRCh37 (hg19) VCF-style: chr5-131926919-C-T.
Other names: short protein forms R486C.
Identifiers: ClinVar variation 141555 (VCV000141555.16), dbSNP rs375218200, ClinGen allele CA165768.
Genomic context (GRCh38, chr5:132,591,227, plus strand): 5'-TTTTAATTCTTGCACAAAATATATAACACCTTTGCATTTGTATGAATTATTGACTAGGAA[C>T]GTGAGTTAAGCAAGGCTGAGAAAAACAGCAATGTAGAAACCTTAAAAATGGAAGTAATAA-3'
Protein context (NP_005723.2, residues 476-496): ELDQELIKAE[Arg486Cys]ELSKAEKNSN

ClinVar aggregate classification (germline): Uncertain significance. Review status: criteria provided, multiple submitters, no conflicts (2 of 4 stars). 3 submissions from 3 submitters: Uncertain significance (3). Last evaluated 2025-11-24.

Conditions:
Hereditary cancer-predisposing syndrome. Also called: Neoplastic Syndromes, Hereditary; Tumor predisposition; Hereditary Cancer Syndrome; Hereditary neoplastic syndrome. Identifiers: Orphanet 140162, MedGen C0027672, MeSH D009386, MONDO:0015356.

Allele frequency attached by ClinVar (database versions not stated): gnomAD exomes 0.00001; ExAC 0.00002; TOPMed 0.00005; ESP Exome Variant Server 0.00008; 1000 Genomes Project 30x 0.00016; 1000 Genomes Project 0.00020.
gnomAD v4.1: 20 of 1,606,378 alleles (0.0012%); highest among the groups gnomAD compares: African/African-American, 0.019%; no homozygotes.

Submissions (3):

Labcorp Genetics (formerly Invitae), Labcorp
Classification: Uncertain significance for Hereditary cancer-predisposing syndrome. Last evaluated: 2025-11-24. Review status: criteria provided, single submitter. Criteria: Invitae Variant Classification Sherloc (09022015). Collection method: clinical testing. Allele origin: germline.
Comment: This sequence change replaces arginine, which is basic and polar, with cysteine, which is neutral and slightly polar, at codon 486 of the RAD50 protein (p.Arg486Cys). This variant is present in population databases (rs375218200, gnomAD 0.02%). This missense change has been observed in individual(s) with breast cancer (PMID: 24894818, 27783279). ClinVar contains an entry for this variant (Variation ID: 141555). Invitae Evidence Modeling of protein sequence and biophysical properties (such as structural, functional, and spatial information, amino acid conservation, physicochemical variation, residue mobility, and thermodynamic stability) indicates that this missense variant is expected to disrupt RAD50 protein function with a positive predictive value of 80%. In summary, the available evidence is currently insufficient to determine the role of this variant in disease. Therefore, it has been classified as a Variant of Uncertain Significance.

Ambry Genetics
Classification: Uncertain significance for Hereditary cancer-predisposing syndrome. Last evaluated: 2025-07-05. Review status: criteria provided, single submitter. Criteria: Ambry Variant Classification Scheme 2023. Collection method: clinical testing. Allele origin: germline.
Comment: The p.R486C variant (also known as c.1456C>T), located in coding exon 10 of the RAD50 gene, results from a C to T substitution at nucleotide position 1456. The arginine at codon 486 is replaced by cysteine, an amino acid with highly dissimilar properties. This alteration was reported in 5/1313 early-onset breast cancer cases and 0/1123 population controls (Damiola F et al. Breast Cancer Res., 2014 Jun;16:R58). This alteration was also reported in 1 of 235 Korean patients with hereditary breast cancer who tested negative for BRCA1/2 mutations (Kim H et al. Breast Cancer Res. Treat., 2017 01;161:95-102). This alteration was reported in a study of 1297 cases of early-onset breast cancer and 1121 controls (Young EL et al. J Med Genet, 2016 06;53:366-76). Additionally, this variant was identified in a cohort of 3,579 African males diagnosed with prostate cancer who underwent multi-gene panel testing of 19 DNA repair and cancer predisposition genes (Matejcic M et al. JCO Precis Oncol, 2020 Jan;4:32-43).This amino acid position is not well conserved in available vertebrate species. In addition, this alteration is predicted to be tolerated by in silico analysis. Since supporting evidence is limited at this time, the clinical significance of this alteration remains unclear.

GeneDx
Classification: Uncertain significance. Last evaluated: 2024-11-14. Review status: criteria provided, single submitter. Criteria: GeneDx Variant Classification Process June 2021. Collection method: clinical testing. Allele origin: germline. Affected: yes.
Comment: In silico analysis supports that this missense variant has a deleterious effect on protein structure/function; Observed in individuals with breast or prostate cancer (PMID: 24894818, 27783279, 32832836); This variant is associated with the following publications: (PMID: 27783279, 26787654, 24894818, 32832836)

Literature cited by the submitters: PubMed 24894818 (cited by Labcorp Genetics (formerly Invitae), Labcorp and Ambry Genetics); PubMed 27783279 (cited by Labcorp Genetics (formerly Invitae), Labcorp and Ambry Genetics); PubMed 26787654 (cited by Ambry Genetics); PubMed 32832836 (cited by Ambry Genetics).